The following is an entry in ClinVar:

ClinVar aggregate classification (germline): Uncertain significance (1 of 4 stars; one submission).

Conditions:
Kleefstra syndrome 2 (KLEFS2). Identifiers: MedGen C4540395, MONDO:0054701, OMIM 617768.

Submission:

Laboratorio de Genetica e Diagnostico Molecular, Hospital Israelita Albert Einstein
Classification: Uncertain significance for Kleefstra syndrome 2. Last evaluated: 2024-03-17. Review status: criteria provided, single submitter. Criteria: ACMG Guidelines, 2015. Collection method: clinical testing. Allele origin: germline. Affected: yes.
Comment: ACMG classification criteria: PM2 supporting, PP2 supporting, BP4 supporting

NM_170606.3(KMT2C):c.5143T>A (p.Ser1715Thr)

Gene: KMT2C (lysine methyltransferase 2C; minus strand). Cytogenetic location: 7q36.1.
Variant type: single nucleotide variant.
Coding change: c.5143T>A on transcript NM_170606.3 (MANE Select); coding-DNA position 5143, T replaced by A.
Protein change: p.Ser1715Thr; replaces serine 1715 with threonine.
Molecular consequence: missense variant.
Genome position (GRCh38, 1-based): chr7:152,183,096, A>T on the plus strand (T>A on the coding strand, the complement: KMT2C is on the minus strand). VCF-style: chr7-152183096-A-T. GRCh37 (hg19) VCF-style: chr7-151880181-A-T.
Other names: short protein forms S1715T.
Identifiers: ClinVar variation 4056562 (VCV004056562.1).